The following is an entry in ClinVar:

NM_001201543.2(FAM161A):c.1160G>T (p.Arg387Ile)

Gene: FAM161A (FAM161 centrosomal protein A; minus strand). Cytogenetic location: 2p15.
Variant type: single nucleotide variant.
Coding change: c.1160G>T on transcript NM_001201543.2 (MANE Select); coding-DNA position 1160, G replaced by T.
Protein change: p.Arg387Ile; replaces arginine 387 with isoleucine.
Molecular consequence: missense variant. On other transcripts: non-coding transcript variant (1).
Genome position (GRCh38, 1-based): chr2:61,839,844, C>A on the plus strand (G>T on the coding strand, the complement: FAM161A is on the minus strand). VCF-style: chr2-61839844-C-A. GRCh37 (hg19) VCF-style: chr2-62066979-C-A.
Other names: c.1160G>T, p.Arg387Ile (NM_032180.3); short protein forms R387I.
Identifiers: ClinVar variation 2161577 (VCV002161577.4), dbSNP rs376870638, ClinGen allele CA48477477.
Genomic context (GRCh38, chr2:61,839,844, plus strand): 5'-CTGCATCCACAAGCTGACCTACAAGGCAGAGGAGATGAGTTCTGTAAATGCTCCTGGGCT[C>A]TCAGCTGTGTCCTAAGGTTTCGATAGAGCTCTTCTTCTTTTAACTTGTCATTGGTAGTTG-3'
Protein context (NP_001188472.1, residues 377-397): ELYRNLRTQL[Arg387Ile]AQEHLQNSSP

ClinVar aggregate classification (germline): Uncertain significance (1 of 4 stars; one submission).

Allele frequency attached by ClinVar (database versions not stated): TOPMed 0.00002; ESP Exome Variant Server 0.00008.
gnomAD v4.1: 1 of 1,614,216 alleles (0.000062%); highest among the groups gnomAD compares: African/African-American, 0.0013%; no homozygotes.

Submission:

Labcorp Genetics (formerly Invitae), Labcorp
Classification: Uncertain significance. Last evaluated: 2022-08-06. Review status: criteria provided, single submitter. Criteria: Invitae Variant Classification Sherloc (09022015). Collection method: clinical testing. Allele origin: germline.
Comment: This variant is not present in population databases (gnomAD no frequency). This sequence change replaces arginine, which is basic and polar, with isoleucine, which is neutral and non-polar, at codon 387 of the FAM161A protein (p.Arg387Ile). This variant has not been reported in the literature in individuals affected with FAM161A-related conditions. Algorithms developed to predict the effect of missense changes on protein structure and function are either unavailable or do not agree on the potential impact of this missense change (SIFT: "Deleterious"; PolyPhen-2: "Probably Damaging"; Align-GVGD: "Class C0"). In summary, the available evidence is currently insufficient to determine the role of this variant in disease. Therefore, it has been classified as a Variant of Uncertain Significance.